The following is an entry in ClinVar:

GRCh38/hg38 3p26.3(chr3:2475307-2540154)x1

Genes: CNTN4 (contactin 4; plus strand), LOC129936036 (ATAC-STARR-seq lymphoblastoid active region 19334; plus strand), LOC129936037 (ATAC-STARR-seq lymphoblastoid active region 19335; plus strand). Cytogenetic location: 3p26.3.
Variant type: copy number loss.
Change: copy number 1 (one copy instead of two) of chr3:2,475,307-2,540,154 (64.8 kb, GRCh38 coordinates, 1-based), cytogenetic band 3p26.3.
Identifiers: ClinVar variation 145906 (VCV000145906.1).

ClinVar aggregate classification (germline): Benign/Likely benign (0 of 4 stars; one submission).

Submission:

GeneDx
Classification: Benign/Likely benign. Last evaluated: 2011-04-30. Review status: no assertion criteria provided. Collection method: clinical testing. Allele origin: not provided. Affected: yes. Observed: 2 variant alleles.
Comment: Likely benign (1), Benign (1)